The following is an entry in ClinVar:

NM_024408.4(NOTCH2):c.908T>C (p.Leu303Pro)

Gene: NOTCH2 (notch receptor 2; minus strand). Cytogenetic location: 1p12.
Variant type: single nucleotide variant.
Coding change: c.908T>C on transcript NM_024408.4 (MANE Select); coding-DNA position 908, T replaced by C.
Protein change: p.Leu303Pro; replaces leucine 303 with proline.
Molecular consequence: missense variant.
Genome position (GRCh38, 1-based): chr1:119,969,711, A>G on the plus strand (T>C on the coding strand, the complement: NOTCH2 is on the minus strand). VCF-style: chr1-119969711-A-G. GRCh37 (hg19) VCF-style: chr1-120512334-A-G.
Other names: c.908T>C, p.Leu303Pro (NM_001200001.2); short protein forms L303P.
Identifiers: ClinVar variation 1721202 (VCV001721202.6), dbSNP rs782116722, ClinGen allele CA341883315.
Genomic context (GRCh38, chr1:119,969,711, plus strand): 5'-CCATAGCCTCCATTGCGGTTGGCACAGGTGCCCCCATTTTGACAGGCATTGGGCTGCAGC[A>G]GGCATTCATCCACATCCTCTGTGCAGAACTGTCCTTTTAGGGGGAAATTACTTTTGATTA-3'
Protein context (NP_077719.2, residues 293-313): QFCTEDVDEC[Leu303Pro]LQPNACQNGG

ClinVar aggregate classification (germline): Uncertain significance (1 of 4 stars; one submission).

Conditions:
Hajdu-Cheney syndrome (HJCYS). Also called: SERPENTINE FIBULA-POLYCYSTIC KIDNEY SYNDROME; Acroosteolysis dominant type; ACROOSTEOLYSIS WITH OSTEOPOROSIS AND CHANGES IN SKULL AND MANDIBLE. Identifiers: Orphanet 955, MedGen C0917715, MONDO:0007057, OMIM 102500.

gnomAD v4.1: 1 of 1,614,130 alleles (0.000062%); highest among the groups gnomAD compares: Non-Finnish European, 0.000085%; no homozygotes.

Submission:

Labcorp Genetics (formerly Invitae), Labcorp
Classification: Uncertain significance for Hajdu-Cheney syndrome. Last evaluated: 2022-10-07. Review status: criteria provided, single submitter. Criteria: Invitae Variant Classification Sherloc (09022015). Collection method: clinical testing. Allele origin: germline.
Comment: In summary, the available evidence is currently insufficient to determine the role of this variant in disease. Therefore, it has been classified as a Variant of Uncertain Significance. This sequence change replaces leucine, which is neutral and non-polar, with proline, which is neutral and non-polar, at codon 303 of the NOTCH2 protein (p.Leu303Pro). This variant is not present in population databases (gnomAD no frequency). Advanced modeling of protein sequence and biophysical properties (such as structural, functional, and spatial information, amino acid conservation, physicochemical variation, residue mobility, and thermodynamic stability) performed at Invitae indicates that this missense variant is not expected to disrupt NOTCH2 protein function. This variant has not been reported in the literature in individuals affected with NOTCH2-related conditions.